The following is an entry in ClinVar:

NM_007363.5(NONO):c.75_86dup (p.Gln25_His28dup)

Gene: NONO (non-POU domain containing octamer binding; plus strand). Cytogenetic location: Xq13.1.
Variant type: Duplication.
Coding change: c.75_86dup on transcript NM_007363.5 (MANE Select); coding-DNA positions 75 to 86, 12 bases duplicated (GCAGCAGCACCA).
Protein change: p.Gln25_His28dup.
Molecular consequence: inframe insertion. On other transcripts: intron variant (1).
Genome position (GRCh38, 1-based): chrX:71,290,712-71,290,723, GCAGCAGCACCA duplicated; duplicating any 12 consecutive bases within chrX:71,290,707-71,290,723 gives the same sequence; the c. name uses the placement nearest the transcript's 3' end. VCF-style (leftmost placement, unchanged base first): chrX-71290706-C-CCACCAGCAGCAG. GRCh37 (hg19) VCF-style: chrX-70510556-C-CCACCAGCAGCAG.
Other names: c.75_86dup, p.Gln25_His28dup (NM_001145408.2, NM_001145409.2); c.-113-1067_-113-1056dup (NM_001145410.2).
Identifiers: ClinVar variation 1475228 (VCV001475228.6), dbSNP rs2148032278, ClinGen allele CA2573159497.

ClinVar aggregate classification (germline): Uncertain significance (1 of 4 stars; one submission).

Submission:

Labcorp Genetics (formerly Invitae), Labcorp
Classification: Uncertain significance. Last evaluated: 2022-02-13. Review status: criteria provided, single submitter. Criteria: Invitae Variant Classification Sherloc (09022015). Collection method: clinical testing. Allele origin: germline.
Comment: In summary, the available evidence is currently insufficient to determine the role of this variant in disease. Therefore, it has been classified as a Variant of Uncertain Significance. This variant has not been reported in the literature in individuals affected with NONO-related conditions. This variant is not present in population databases (gnomAD no frequency). This variant, c.75_86dup, results in the insertion of 4 amino acid(s) of the NONO protein (p.Gln25_His28dup), but otherwise preserves the integrity of the reading frame.